The following is an entry in ClinVar:

NM_018133.4(MSL2):c.1295_1296del (p.Lys432fs)

Gene: MSL2 (MSL complex subunit 2; minus strand). Cytogenetic location: 3q22.3.
Variant type: Deletion.
Coding change: c.1295_1296del on transcript NM_018133.4 (MANE Select); coding-DNA positions 1295 to 1296, 2 bases deleted (AA; older notation c.1295_1296delAA).
Protein change: p.Lys432fs; shifts the reading frame from lysine 432.
Molecular consequence: frameshift variant.
Genome position (GRCh38, 1-based): chr3:136,151,585-136,151,586, TT deleted on the plus strand (AA on the coding strand, the reverse complement: MSL2 is on the minus strand); deleting any 2 consecutive bases within chr3:136,151,585-136,151,587 gives the same sequence; the c. name uses the placement nearest the transcript's 3' end. VCF-style (leftmost placement, unchanged base first): chr3-136151584-CTT-C. GRCh37 (hg19) VCF-style: chr3-135870426-CTT-C.
Other names: c.1073_1074del, p.Lys358fs (NM_001145417.2); short protein forms K358fs, K432fs.
Identifiers: ClinVar variation 4075640 (VCV004075640.1).
Genomic context (GRCh38, chr3:136,151,584, plus strand): 5'-ACACAGTCTTGGTAGGACTTCCTGGCATAAAATGATGACTAGGAATCTTTTCCTTTACTG[CTT>C]TGTCTTTTTTAAGAATACCTGGCTTGGTTTTAGAGTGAGATTTCTTGGATCCATGTTCAT-3'

ClinVar aggregate classification (germline): Uncertain significance (1 of 4 stars; one submission).

Submission:

GeneDx
Classification: Uncertain significance. Last evaluated: 2025-02-12. Review status: criteria provided, single submitter. Criteria: GeneDx Variant Classification Process June 2021. Collection method: clinical testing. Allele origin: germline. Affected: yes.
Comment: Frameshift variant predicted to result in abnormal protein length as the last 146 amino acid(s) are replaced with 7 different amino acid(s); Not observed at significant frequency in large population cohorts (gnomAD); Has not been previously published as pathogenic or benign to our knowledge